The following is an entry in ClinVar:

NM_030943.4(AMN):c.448T>C (p.Phe150Leu)

Gene: AMN (amnion associated transmembrane protein; plus strand). Cytogenetic location: 14q32.32.
Variant type: single nucleotide variant.
Coding change: c.448T>C on transcript NM_030943.4 (MANE Select); coding-DNA position 448, T replaced by C.
Protein change: p.Phe150Leu; replaces phenylalanine 150 with leucine.
Molecular consequence: missense variant.
Genome position (GRCh38, 1-based): chr14:102,928,910, T>C. VCF-style: chr14-102928910-T-C. GRCh37 (hg19) VCF-style: chr14-103395247-T-C.
Other names: c.448T>C (NM_030943.3); short protein forms F150L.
Identifiers: ClinVar variation 1408431 (VCV001408431.5), dbSNP rs1039668619, ClinGen allele CA267175024.

ClinVar aggregate classification (germline): Uncertain significance. Review status: criteria provided, multiple submitters, no conflicts (2 of 4 stars). 3 submissions from 3 submitters: Uncertain significance (3). Last evaluated 2025-06-03.

Conditions:
Imerslund-Grasbeck syndrome type 2. Also called: Megaloblastic anemia 1, Norwegian type; MEGALOBLASTIC ANEMIA, NORWEGIAN TYPE; Imerslund-Gräsbeck syndrome 2. Identifiers: MedGen C4016948, MONDO:0100157, OMIM 618882.
Imerslund-Grasbeck syndrome. Also called: Megaloblastic anemia due to inborn errors of metabolism; PERNICIOUS ANEMIA, JUVENILE, DUE TO SELECTIVE INTESTINAL MALABSORPTION OF VITAMIN B12, WITH PROTEINURIA; ENTEROCYTE COBALAMIN MALABSORPTION; ENTEROCYTE INTRINSIC FACTOR RECEPTOR, DEFECT OF; Imerslund-Gräsbeck syndrome. Identifiers: Orphanet 35858, MedGen C4551825, MONDO:0009853.
Inborn genetic diseases. Identifiers: MedGen C0950123, MeSH D030342.

Allele frequency attached by ClinVar (database versions not stated): gnomAD exomes 0.00002 and 0.00001; gnomAD 0.00003; TOPMed 0.00005.
gnomAD v4.1: 30 of 1,602,602 alleles (0.0019%); highest among the groups gnomAD compares: African/African-American, 0.029%; no homozygotes.

Submissions (3):

Ambry Genetics
Classification: Uncertain significance for Inborn genetic diseases. Last evaluated: 2025-06-03. Review status: criteria provided, single submitter. Criteria: Ambry Variant Classification Scheme 2023. Collection method: clinical testing. Allele origin: germline.

Labcorp Genetics (formerly Invitae), Labcorp
Classification: Uncertain significance for Imerslund-Grasbeck syndrome. Last evaluated: 2022-08-16. Review status: criteria provided, single submitter. Criteria: Invitae Variant Classification Sherloc (09022015). Collection method: clinical testing. Allele origin: germline.
Comment: This sequence change replaces phenylalanine, which is neutral and non-polar, with leucine, which is neutral and non-polar, at codon 150 of the AMN protein (p.Phe150Leu). This variant is present in population databases (no rsID available, gnomAD 0.004%). This variant has not been reported in the literature in individuals affected with AMN-related conditions. ClinVar contains an entry for this variant (Variation ID: 1408431). Algorithms developed to predict the effect of missense changes on protein structure and function are either unavailable or do not agree on the potential impact of this missense change (SIFT: "Tolerated"; PolyPhen-2: "Probably Damaging"; Align-GVGD: "Class C0"). In summary, the available evidence is currently insufficient to determine the role of this variant in disease. Therefore, it has been classified as a Variant of Uncertain Significance.

Fulgent Genetics
Classification: Uncertain significance for Imerslund-Grasbeck syndrome type 2. Last evaluated: 2022-04-09. Review status: criteria provided, single submitter. Criteria: ACMG Guidelines, 2015. Collection method: clinical testing. Allele origin: unknown.